The following is an entry in ClinVar:

NM_000313.4(PROS1):c.1565T>A (p.Val522Asp)

Gene: PROS1 (protein S; minus strand). Cytogenetic location: 3q11.1.
Variant type: single nucleotide variant.
Coding change: c.1565T>A on transcript NM_000313.4 (MANE Select); coding-DNA position 1565, T replaced by A.
Protein change: p.Val522Asp; replaces valine 522 with aspartic acid.
Molecular consequence: missense variant.
Genome position (GRCh38, 1-based): chr3:93,879,242, A>T on the plus strand (T>A on the coding strand, the complement: PROS1 is on the minus strand). VCF-style: chr3-93879242-A-T. GRCh37 (hg19) VCF-style: chr3-93598086-A-T.
Other names: c.1661T>A, p.Val554Asp (NM_001314077.2); short protein forms V554D, V522D.
Identifiers: ClinVar variation 1467608 (VCV001467608.6), dbSNP rs2107128754, ClinGen allele CA353671973.

ClinVar aggregate classification (germline): Uncertain significance (1 of 4 stars; one submission).

Conditions:
Thrombophilia due to protein S deficiency, autosomal recessive (THPH6). Identifiers: Orphanet 743, MedGen C3281092, MONDO:0013791, OMIM 614514. Disease mechanism: loss of function.

Submission:

Labcorp Genetics (formerly Invitae), Labcorp
Classification: Uncertain significance for Thrombophilia due to protein S deficiency, autosomal recessive. Last evaluated: 2021-08-12. Review status: criteria provided, single submitter. Criteria: Invitae Variant Classification Sherloc (09022015). Collection method: clinical testing. Allele origin: germline.
Comment: This variant has not been reported in the literature in individuals affected with PROS1-related conditions. In summary, the available evidence is currently insufficient to determine the role of this variant in disease. Therefore, it has been classified as a Variant of Uncertain Significance. Algorithms developed to predict the effect of missense changes on protein structure and function are either unavailable or do not agree on the potential impact of this missense change (SIFT: "Deleterious"; PolyPhen-2: "Probably Damaging"; Align-GVGD: "Class C15"). This variant is not present in population databases (ExAC no frequency). This sequence change replaces valine with aspartic acid at codon 522 of the PROS1 protein (p.Val522Asp). The valine residue is highly conserved and there is a large physicochemical difference between valine and aspartic acid.